The following is an entry in ClinVar:

ClinVar aggregate classification (germline): Uncertain significance. Review status: criteria provided, multiple submitters, no conflicts (2 of 4 stars). 2 submissions from 2 submitters: Uncertain significance (2). Last evaluated 2023-08-09.

Conditions:
Cardiovascular phenotype. Identifiers: MedGen CN230736.
Alstrom syndrome (ALMS). Identifiers: Orphanet 64, MedGen C0268425, MONDO:0008763, OMIM 203800.

Allele frequency attached by ClinVar (database versions not stated): gnomAD exomes below 0.00001; TOPMed below 0.00001; gnomAD 0.00001.
gnomAD v4.1: 3 of 1,613,898 alleles (0.00019%); highest among the groups gnomAD compares: Non-Finnish European, 0.00025%; no homozygotes.

Submissions (2):

Ambry Genetics
Classification: Uncertain significance for Cardiovascular phenotype. Last evaluated: 2023-08-09. Review status: criteria provided, single submitter. Criteria: Ambry Variant Classification Scheme 2023. Collection method: clinical testing. Allele origin: germline.
Comment: The p.F2012L variant (also known as c.6036T>G), located in coding exon 8 of the ALMS1 gene, results from a T to G substitution at nucleotide position 6036. The phenylalanine at codon 2012 is replaced by leucine, an amino acid with highly similar properties. This amino acid position is poorly conserved in available vertebrate species. In addition, this alteration is predicted to be tolerated by in silico analysis. Since supporting evidence is limited at this time, the clinical significance of this alteration remains unclear.

Labcorp Genetics (formerly Invitae), Labcorp
Classification: Uncertain significance for Alstrom syndrome. Last evaluated: 2021-12-02. Review status: criteria provided, single submitter. Criteria: Invitae Variant Classification Sherloc (09022015). Collection method: clinical testing. Allele origin: germline.
Comment: This sequence change replaces phenylalanine, which is neutral and non-polar, with leucine, which is neutral and non-polar, at codon 2012 of the ALMS1 protein (p.Phe2012Leu). This variant is not present in population databases (gnomAD no frequency). This variant has not been reported in the literature in individuals affected with ALMS1-related conditions. Experimental studies and prediction algorithms are not available or were not evaluated, and the functional significance of this variant is currently unknown. In summary, the available evidence is currently insufficient to determine the role of this variant in disease. Therefore, it has been classified as a Variant of Uncertain Significance.

NM_001378454.1(ALMS1):c.6033T>G (p.Phe2011Leu)

Gene: ALMS1 (ALMS1 centrosome and basal body associated protein; plus strand). Cytogenetic location: 2p13.1.
Variant type: single nucleotide variant.
Coding change: c.6033T>G on transcript NM_001378454.1 (MANE Select); coding-DNA position 6033, T replaced by G.
Protein change: p.Phe2011Leu; replaces phenylalanine 2011 with leucine.
Molecular consequence: missense variant.
Genome position (GRCh38, 1-based): chr2:73,452,560, T>G. VCF-style: chr2-73452560-T-G. GRCh37 (hg19) VCF-style: chr2-73679687-T-G.
Other names: c.6036T>G, p.Phe2012Leu (NM_015120.4); short protein forms F2011L, F2012L.
Identifiers: ClinVar variation 1491033 (VCV001491033.4), dbSNP rs1671969545, ClinGen allele CA347284542.